The following is an entry in ClinVar:

ClinVar aggregate classification (germline): Likely pathogenic (1 of 4 stars; one submission).

gnomAD v4.1: 1 of 1,590,398 alleles (0.000063%); no homozygotes.

Submission:

Labcorp Genetics (formerly Invitae), Labcorp
Classification: Likely pathogenic. Last evaluated: 2022-06-25. Review status: criteria provided, single submitter. Criteria: Invitae Variant Classification Sherloc (09022015). Collection method: clinical testing. Allele origin: germline.
Comment: This variant is also known as IVS9+5G>A. In summary, the currently available evidence indicates that the variant is pathogenic, but additional data are needed to prove that conclusively. Therefore, this variant has been classified as Likely Pathogenic. This variant disrupts the p.Arg435 amino acid residue in CYP19A1. Other variant(s) that disrupt this residue have been determined to be pathogenic (PMID: 8265607, 17164303, 23329769, 27256151). This suggests that this residue is clinically significant, and that variants that disrupt this residue are likely to be disease-causing. Variants that disrupt the consensus splice site are a relatively common cause of aberrant splicing (PMID: 17576681, 9536098). Studies have shown that this variant results in retention of intron 9 and introduces a premature termination codon (PMID: 26279340). The resulting mRNA is expected to undergo nonsense-mediated decay. This variant has been observed in individual(s) with aromatase deficiency (PMID: 26279340). This variant is not present in population databases (gnomAD no frequency). This sequence change falls in intron 10 of the CYP19A1 gene. It does not directly change the encoded amino acid sequence of the CYP19A1 protein. RNA analysis indicates that this variant induces altered splicing and may result in an absent or disrupted protein product.

Literature cited by the submitters: PubMed 8265607; PubMed 17164303; PubMed 23329769; PubMed 27256151; PubMed 17576681; PubMed 9536098; PubMed 26279340.

NM_000103.4(CYP19A1):c.1263+5G>A

Genes: CYP19A1 (cytochrome P450 family 19 subfamily A member 1; minus strand), MIR4713HG (MIR4713 host gene; plus strand), PIRC66 (piwi-interacting RNA cluster 66; plus strand). Cytogenetic location: 15q21.2.
Variant type: single nucleotide variant.
Coding change: c.1263+5G>A on transcript NM_000103.4 (MANE Select); 5 bases into the intron after coding-DNA position 1263, G replaced by A.
Molecular consequence: intron variant.
Genome position (GRCh38, 1-based): chr15:51,212,315, C>T on the plus strand (G>A on the coding strand, the complement: CYP19A1 is on the minus strand). VCF-style: chr15-51212315-C-T. GRCh37 (hg19) VCF-style: chr15-51504512-C-T.
Other names: c.1263+5G>A (NM_031226.3, NM_001347248.1, NM_001347249.2 and 7 more transcripts).
Identifiers: ClinVar variation 1349789 (VCV001349789.8), dbSNP rs764949820, ClinGen allele CA270548571.
Genomic context (GRCh38, chr15:51,212,315, plus strand): 5'-CAGAGAGGATTTAACAGTTGACATTTTCAAGAGTGGCACACTCAGTTTTAAGGAAGGGCT[C>T]TTACATTCTTTGCAAAATTTTCAAGAGTAAATTCATTGGGTTTGGGGAAAAACTCGAGTC-3'